The following is an entry in ClinVar:

ClinVar aggregate classification (germline): Uncertain significance (1 of 4 stars; one submission).

gnomAD v4.1: 12 of 1,614,168 alleles (0.00074%); highest among the groups gnomAD compares: African/African-American, 0.015%; no homozygotes.

Submission:

GeneDx
Classification: Uncertain significance. Last evaluated: 2024-11-10. Review status: criteria provided, single submitter. Criteria: GeneDx Variant Classification Process June 2021. Collection method: clinical testing. Allele origin: germline. Affected: yes.
Comment: In silico analysis indicates that this missense variant does not alter protein structure/function; Has not been previously published as pathogenic or benign to our knowledge

NM_001081.4(CUBN):c.5500T>A (p.Ser1834Thr)

Gene: CUBN (cubilin; minus strand). Cytogenetic location: 10p13.
Variant type: single nucleotide variant.
Coding change: c.5500T>A on transcript NM_001081.4 (MANE Select); coding-DNA position 5500, T replaced by A.
Protein change: p.Ser1834Thr; replaces serine 1834 with threonine.
Molecular consequence: missense variant.
Genome position (GRCh38, 1-based): chr10:16,940,080, A>T on the plus strand (T>A on the coding strand, the complement: CUBN is on the minus strand). VCF-style: chr10-16940080-A-T. GRCh37 (hg19) VCF-style: chr10-16982079-A-T.
Other names: short protein forms S1834T.
Identifiers: ClinVar variation 3898969 (VCV003898969.1).